The following is an entry in ClinVar:

ClinVar aggregate classification (germline): Uncertain significance (1 of 4 stars; one submission).

Allele frequency attached by ClinVar (database versions not stated): gnomAD exomes below 0.00001.
gnomAD v4.1: 1 of 1,608,590 alleles (0.000062%); highest among the groups gnomAD compares: Non-Finnish European, 0.000085%; no homozygotes.

Submission:

Labcorp Genetics (formerly Invitae), Labcorp
Classification: Uncertain significance. Last evaluated: 2024-05-10. Review status: criteria provided, single submitter. Criteria: Invitae Variant Classification Sherloc (09022015). Collection method: clinical testing. Allele origin: germline.
Comment: This sequence change replaces glycine, which is neutral and non-polar, with serine, which is neutral and polar, at codon 190 of the SLC12A6 protein (p.Gly190Ser). This variant is not present in population databases (gnomAD no frequency). This variant has not been reported in the literature in individuals affected with SLC12A6-related conditions. Advanced modeling of protein sequence and biophysical properties (such as structural, functional, and spatial information, amino acid conservation, physicochemical variation, residue mobility, and thermodynamic stability) performed at Invitae indicates that this missense variant is expected to disrupt SLC12A6 protein function with a positive predictive value of 80%. In summary, the available evidence is currently insufficient to determine the role of this variant in disease. Therefore, it has been classified as a Variant of Uncertain Significance.

NM_001365088.1(SLC12A6):c.568G>A (p.Gly190Ser)

Gene: SLC12A6 (solute carrier family 12 member 6; minus strand). Cytogenetic location: 15q14.
Variant type: single nucleotide variant.
Coding change: c.568G>A on transcript NM_001365088.1 (MANE Select); coding-DNA position 568, G replaced by A.
Protein change: p.Gly190Ser; replaces glycine 190 with serine.
Molecular consequence: missense variant.
Genome position (GRCh38, 1-based): chr15:34,257,764, C>T on the plus strand (G>A on the coding strand, the complement: SLC12A6 is on the minus strand). VCF-style: chr15-34257764-C-T. GRCh37 (hg19) VCF-style: chr15-34549965-C-T.
Other names: c.391G>A, p.Gly131Ser (NM_001042494.2, NM_001042495.2); c.541G>A, p.Gly181Ser (NM_001042496.2); c.523G>A, p.Gly175Ser (NM_001042497.2); c.415G>A, p.Gly139Ser (NM_005135.2); c.568G>A, p.Gly190Ser (NM_133647.2); short protein forms G175S, G139S, G181S, G190S, G131S.
Identifiers: ClinVar variation 2862946 (VCV002862946.3), dbSNP rs2509832909, ClinGen allele CA391613089.